The following is an entry in ClinVar:

NM_001267550.2(TTN):c.89118C>A (p.Tyr29706Ter)

Genes: TTN (titin; minus strand), TTN-AS1 (TTN antisense RNA 1; plus strand). Cytogenetic location: 2q31.2.
Variant type: single nucleotide variant.
Coding change: c.89118C>A on transcript NM_001267550.2 (MANE Select); coding-DNA position 89118, C replaced by A.
Protein change: p.Tyr29706Ter; replaces tyrosine 29706 with a stop codon.
Molecular consequence: nonsense.
Genome position (GRCh38, 1-based): chr2:178,553,993, G>T on the plus strand (C>A on the coding strand, the complement: TTN is on the minus strand). VCF-style: chr2-178553993-G-T. GRCh37 (hg19) VCF-style: chr2-179418720-G-T.
Other names: c.84195C>A, p.Tyr28065Ter (NM_001256850.1); c.61923C>A, p.Tyr20641Ter (NM_003319.4); c.81414C>A, p.Tyr27138Ter (NM_133378.4); c.62298C>A, p.Tyr20766Ter (NM_133432.3); c.62499C>A, p.Tyr20833Ter (NM_133437.4); short protein forms Y27138*, Y28065*, Y29706*, Y20833*, Y20641*, Y20766*.
Identifiers: ClinVar variation 955330 (VCV000955330.10), dbSNP rs1700331549, ClinGen allele CA349520848.

ClinVar aggregate classification (germline): Likely pathogenic (1 of 4 stars; one submission).

Conditions:
Dilated cardiomyopathy 1G (CMD1G). Identifiers: Orphanet 154, MedGen C1858763, MONDO:0011400, OMIM 604145.
Autosomal recessive limb-girdle muscular dystrophy type 2J (LGMDR10). Also called: Limb-girdle muscular dystrophy, type 2J; MUSCULAR DYSTROPHY, LIMB-GIRDLE, AUTOSOMAL RECESSIVE 10. Identifiers: Orphanet 140922, MedGen C1837342, MONDO:0012127, OMIM 608807.

Submission:

Labcorp Genetics (formerly Invitae), Labcorp
Classification: Likely pathogenic for Dilated cardiomyopathy 1G; Autosomal recessive limb-girdle muscular dystrophy type 2J. Last evaluated: 2022-03-19. Review status: criteria provided, single submitter. Criteria: Invitae Variant Classification Sherloc (09022015). Collection method: clinical testing. Allele origin: germline.
Comment: This sequence change creates a premature translational stop signal (p.Tyr29706*) in the TTN gene. While this is not anticipated to result in nonsense mediated decay, it is expected to create a truncated TTN protein. This variant is not present in population databases (gnomAD no frequency). In summary, the currently available evidence indicates that the variant is pathogenic, but additional data are needed to prove that conclusively. Therefore, this variant has been classified as Likely Pathogenic. This variant is located in the A band of TTN (PMID: 25589632). Truncating variants in this region are significantly overrepresented in patients affected with dilated cardiomyopathy (PMID: 25589632). Truncating variants in this region have also been reported in individuals affected with autosomal recessive centronuclear myopathy (PMID: 23975875). ClinVar contains an entry for this variant (Variation ID: 955330). This variant has not been reported in the literature in individuals affected with TTN-related conditions.

Literature cited by the submitters: PubMed 25589632; PubMed 23975875.